The following is an entry in ClinVar:

ClinVar aggregate classification (germline): Uncertain significance. Review status: criteria provided, multiple submitters, no conflicts (2 of 4 stars). 3 submissions from 3 submitters: Uncertain significance (3). Last evaluated 2026-03-11.

Conditions:
Hereditary cancer-predisposing syndrome. Also called: Tumor predisposition; Hereditary neoplastic syndrome; Neoplastic Syndromes, Hereditary; Hereditary Cancer Syndrome. Identifiers: Orphanet 140162, MedGen C0027672, MeSH D009386, MONDO:0015356.
Tuberous sclerosis 1 (TSC1). Identifiers: Orphanet 805, MedGen C1854465, MONDO:0008612, OMIM 191100.

Allele frequency attached by ClinVar (database versions not stated): gnomAD exomes below 0.00001.

Submissions (3):

GeneDx
Classification: Uncertain significance. Last evaluated: 2026-03-11. Review status: criteria provided, single submitter. Criteria: GeneDx Variant Classification Process June 2021. Collection method: clinical testing. Allele origin: germline.
Comment: Not observed at significant frequency in large population cohorts (gnomAD); In silico analysis suggests that this missense variant does not alter protein structure/function; Has not been previously published as pathogenic or benign to our knowledge; This variant is associated with the following publications: (PMID: 18466115)

Labcorp Genetics (formerly Invitae), Labcorp
Classification: Uncertain significance for Tuberous sclerosis 1. Last evaluated: 2025-08-20. Review status: criteria provided, single submitter. Criteria: Invitae Variant Classification Sherloc (09022015). Collection method: clinical testing. Allele origin: germline.
Comment: This sequence change replaces proline, which is neutral and non-polar, with serine, which is neutral and polar, at codon 399 of the TSC1 protein (p.Pro399Ser). This variant is not present in population databases (gnomAD no frequency). This variant has not been reported in the literature in individuals affected with TSC1-related conditions. ClinVar contains an entry for this variant (Variation ID: 818511). Invitae Evidence Modeling of protein sequence and biophysical properties (such as structural, functional, and spatial information, amino acid conservation, physicochemical variation, residue mobility, and thermodynamic stability) indicates that this missense variant is not expected to disrupt TSC1 protein function with a negative predictive value of 95%. In summary, the available evidence is currently insufficient to determine the role of this variant in disease. Therefore, it has been classified as a Variant of Uncertain Significance.

Ambry Genetics
Classification: Uncertain significance for Hereditary cancer-predisposing syndrome. Last evaluated: 2024-12-13. Review status: criteria provided, single submitter. Criteria: Ambry Variant Classification Scheme 2023. Collection method: clinical testing. Allele origin: germline.
Comment: The p.P399S variant (also known as c.1195C>T), located in coding exon 10 of the TSC1 gene, results from a C to T substitution at nucleotide position 1195. The proline at codon 399 is replaced by serine, an amino acid with similar properties. This amino acid position is highly conserved in available vertebrate species. In addition, this alteration is predicted to be tolerated by in silico analysis. Based on the available evidence, the clinical significance of this variant remains unclear.

NM_000368.5(TSC1):c.1195C>T (p.Pro399Ser)

Gene: TSC1 (TSC complex subunit 1; minus strand). Cytogenetic location: 9q34.13.
Variant type: single nucleotide variant.
Coding change: c.1195C>T on transcript NM_000368.5 (MANE Select); coding-DNA position 1195, C replaced by T.
Protein change: p.Pro399Ser; replaces proline 399 with serine.
Molecular consequence: missense variant.
Genome position (GRCh38, 1-based): chr9:132,910,639, G>A on the plus strand (C>T on the coding strand, the complement: TSC1 is on the minus strand). VCF-style: chr9-132910639-G-A. GRCh37 (hg19) VCF-style: chr9-135786026-G-A.
Other names: c.1192C>T, p.Pro398Ser (NM_001162426.2); c.1042C>T, p.Pro348Ser (NM_001162427.2); c.832C>T, p.Pro278Ser (NM_001362177.2); short protein forms P278S, P348S, P398S, P399S.
Identifiers: ClinVar variation 818511 (VCV000818511.11), dbSNP rs1060503211, ClinGen allele CA375367012.